The following is an entry in ClinVar:

ClinVar aggregate classification (germline): Uncertain significance (1 of 4 stars; one submission).

Allele frequency attached by ClinVar (database versions not stated): TOPMed below 0.00001; gnomAD 0.00001; gnomAD exomes 0.00001; ExAC 0.00003; 1000 Genomes Project 30x 0.00031; 1000 Genomes Project 0.00040.

Submission:

Labcorp Genetics (formerly Invitae), Labcorp
Classification: Uncertain significance. Last evaluated: 2024-01-24. Review status: criteria provided, single submitter. Criteria: Invitae Variant Classification Sherloc (09022015). Collection method: clinical testing. Allele origin: germline.
Comment: This sequence change replaces isoleucine, which is neutral and non-polar, with phenylalanine, which is neutral and non-polar, at codon 290 of the SLC7A13 protein (p.Ile290Phe). This variant is present in population databases (rs555156034, gnomAD 0.01%). This variant has not been reported in the literature in individuals affected with SLC7A13-related conditions. ClinVar contains an entry for this variant (Variation ID: 1975415). Algorithms developed to predict the effect of missense changes on protein structure and function output the following: SIFT: "Not Available"; PolyPhen-2: "Benign"; Align-GVGD: "Not Available". The phenylalanine amino acid residue is found in multiple mammalian species, which suggests that this missense change does not adversely affect protein function. In summary, the available evidence is currently insufficient to determine the role of this variant in disease. Therefore, it has been classified as a Variant of Uncertain Significance.

NM_138817.3(SLC7A13):c.868A>T (p.Ile290Phe)

Gene: SLC7A13 (solute carrier family 7 member 13; minus strand). Cytogenetic location: 8q21.3.
Variant type: single nucleotide variant.
Coding change: c.868A>T on transcript NM_138817.3 (MANE Select); coding-DNA position 868, A replaced by T.
Protein change: p.Ile290Phe; replaces isoleucine 290 with phenylalanine.
Molecular consequence: missense variant.
Genome position (GRCh38, 1-based): chr8:86,217,781, T>A on the plus strand (A>T on the coding strand, the complement: SLC7A13 is on the minus strand). VCF-style: chr8-86217781-T-A. GRCh37 (hg19) VCF-style: chr8-87230010-T-A.
Other names: short protein forms I290F.
Identifiers: ClinVar variation 1975415 (VCV001975415.5), dbSNP rs555156034, ClinGen allele CA4797699.